The following is an entry in ClinVar:

ClinVar aggregate classification (germline): Uncertain significance (1 of 4 stars; one submission).

Conditions:
Cardiovascular phenotype. Identifiers: MedGen CN230736.

Submission:

Ambry Genetics
Classification: Uncertain significance for Cardiovascular phenotype. Last evaluated: 2025-07-22. Review status: criteria provided, single submitter. Criteria: Ambry Variant Classification Scheme 2023. Collection method: clinical testing. Allele origin: germline.
Comment: The p.P257R variant (also known as c.770C>G), located in coding exon 3 of the BAG3 gene, results from a C to G substitution at nucleotide position 770. The proline at codon 257 is replaced by arginine, an amino acid with dissimilar properties. This amino acid position is conserved. In addition, the in silico prediction for this alteration is inconclusive. Based on the available evidence, the clinical significance of this variant remains unclear.

NM_004281.4(BAG3):c.770C>G (p.Pro257Arg)

Gene: BAG3 (BAG cochaperone 3; plus strand). Cytogenetic location: 10q26.11.
Variant type: single nucleotide variant.
Coding change: c.770C>G on transcript NM_004281.4 (MANE Select); coding-DNA position 770, C replaced by G.
Protein change: p.Pro257Arg; replaces proline 257 with arginine.
Molecular consequence: missense variant.
Genome position (GRCh38, 1-based): chr10:119,672,517, C>G. VCF-style: chr10-119672517-C-G. GRCh37 (hg19) VCF-style: chr10-121432029-C-G.
Other names: short protein forms P257R.
Identifiers: ClinVar variation 4192117 (VCV004192117.1).